The following is an entry in ClinVar:

ClinVar aggregate classification (germline): Benign/Likely benign. Review status: criteria provided, multiple submitters, no conflicts (2 of 4 stars). 3 submissions from 3 submitters: Benign (1); Likely benign (2). Last evaluated 2024-08-28.

Conditions:
Familial cancer of breast. Also called: Hereditary breast cancer; hereditary breast carcinoma; BREAST CANCER, FAMILIAL. Identifiers: Orphanet 227535, MedGen C0346153, MONDO:0016419, OMIM 114480. Disease mechanism: loss of function.
Fanconi anemia complementation group J. Also called: BRIP1-Related Fanconi Anemia. Identifiers: Orphanet 84, MedGen C1836860, MONDO:0012187, OMIM 609054.
Hereditary cancer-predisposing syndrome. Also called: Hereditary Cancer Syndrome; Neoplastic Syndromes, Hereditary; Hereditary neoplastic syndrome; Tumor predisposition. Identifiers: Orphanet 140162, MedGen C0027672, MeSH D009386, MONDO:0015356.

Allele frequency attached by ClinVar (database versions not stated): TOPMed below 0.00001; gnomAD 0.00001.
gnomAD v4.1: 1 of 1,612,116 alleles (0.000062%); highest among the groups gnomAD compares: African/African-American, 0.0013%; no homozygotes.

Submissions (3):

Myriad Genetics, Inc.
Classification: Benign for Familial cancer of breast. Last evaluated: 2024-08-28. Review status: criteria provided, single submitter. Criteria: Myriad Autosomal Dominant, Autosomal Recessive and X-Linked Classification Criteria (2023). Collection method: clinical testing. Allele origin: unknown.
Comment: This variant is considered benign. This variant is a silent/synonymous amino acid change and it is not expected to impact splicing.

Ambry Genetics
Classification: Likely benign for Hereditary cancer-predisposing syndrome. Last evaluated: 2018-09-21. Review status: criteria provided, single submitter. Criteria: Ambry Variant Classification Scheme 2023. Collection method: clinical testing. Allele origin: germline.

Labcorp Genetics (formerly Invitae), Labcorp
Classification: Likely benign for Familial cancer of breast; Fanconi anemia complementation group J. Last evaluated: 2018-05-02. Review status: criteria provided, single submitter. Criteria: Invitae Variant Classification Sherloc (09022015). Collection method: clinical testing. Allele origin: germline.

NM_032043.3(BRIP1):c.1476A>T (p.Gly492=)

Gene: BRIP1 (BRCA1 interacting DNA helicase 1; minus strand). Cytogenetic location: 17q23.2.
Variant type: single nucleotide variant.
Coding change: c.1476A>T on transcript NM_032043.3 (MANE Select); coding-DNA position 1476, A replaced by T.
Protein change: p.Gly492=; no amino-acid change (glycine 492 retained).
Molecular consequence: synonymous variant.
Genome position (GRCh38, 1-based): chr17:61,784,422, T>A on the plus strand (A>T on the coding strand, the complement: BRIP1 is on the minus strand). VCF-style: chr17-61784422-T-A. GRCh37 (hg19) VCF-style: chr17-59861783-T-A.
Identifiers: ClinVar variation 819307 (VCV000819307.12), dbSNP rs1398626535, ClinGen allele CA501150894.
Genomic context (GRCh38, chr17:61,784,422, plus strand): 5'-CTCCTCTTTACCATAAATTGGTGAGATTTTTTCCTCTTTTTGAAGAACAGCAGAAAAATG[T>A]CCCTATAAGAAATTACCATATTAAGTATAGAGGGGTTGGGAGGGAATTGGAAAAAGAAAC-3'
Protein context (NP_114432.2, residues 482-502): ITTATFPILQ[Gly492=]HFSAVLQKEE